The following is an entry in ClinVar:

ClinVar aggregate classification (germline): Uncertain significance (1 of 4 stars; one submission).

Conditions:
Inborn genetic diseases. Identifiers: MedGen C0950123, MeSH D030342.

gnomAD v4.1: 1 of 1,211,080 alleles (0.000083%); highest among the groups gnomAD compares: Non-Finnish European, 0.00011%; no homozygotes.

Submission:

Ambry Genetics
Classification: Uncertain significance for Inborn genetic diseases. Last evaluated: 2021-06-04. Review status: criteria provided, single submitter. Criteria: Ambry Variant Classification Scheme 2023. Collection method: clinical testing. Allele origin: germline.
Comment: The c.1520G>A (p.G507D) alteration is located in exon 5 (coding exon 3) of the RLIM gene. This alteration results from a G to A substitution at nucleotide position 1520, causing the glycine (G) at amino acid position 507 to be replaced by an aspartic acid (D). Based on data from the Genome Aggregation Database (gnomAD), the RLIM c.1520G>A alteration was not observed, with coverage at this position. This amino acid position is well conserved in available vertebrate species. The p.G507D alteration is predicted to be tolerated by in silico analysis. Based on insufficient or conflicting evidence, the clinical significance of this alteration remains unclear.

NM_016120.4(RLIM):c.1520G>A (p.Gly507Asp)

Gene: RLIM (ring finger protein, LIM domain interacting; minus strand). Cytogenetic location: Xq13.2.
Variant type: single nucleotide variant.
Coding change: c.1520G>A on transcript NM_016120.4 (MANE Select); coding-DNA position 1520, G replaced by A.
Protein change: p.Gly507Asp; replaces glycine 507 with aspartic acid.
Molecular consequence: missense variant.
Genome position (GRCh38, 1-based): chrX:74,591,795, C>T on the plus strand (G>A on the coding strand, the complement: RLIM is on the minus strand). VCF-style: chrX-74591795-C-T. GRCh37 (hg19) VCF-style: chrX-73811630-C-T.
Other names: c.1520G>A, p.Gly507Asp (NM_183353.3); short protein forms G507D.
Identifiers: ClinVar variation 3154748 (VCV003154748.1), dbSNP rs2519833739, ClinGen allele CA413659980.